The following is an entry in ClinVar:

ClinVar aggregate classification (germline): Benign/Likely benign. Review status: criteria provided, multiple submitters, no conflicts (2 of 4 stars). 19 submissions from 15 submitters: Benign (5); Likely benign (8). 6 of the submissions do not count toward it. Last evaluated 2026-03-27.

Conditions:
TTN-related disorder. Also called: TTN-related condition; TTN-related disease; TTN-related disorders.
Cardiovascular phenotype. Identifiers: MedGen CN230736.
Autosomal recessive limb-girdle muscular dystrophy type 2J (LGMDR10). Also called: Limb-girdle muscular dystrophy, type 2J; MUSCULAR DYSTROPHY, LIMB-GIRDLE, AUTOSOMAL RECESSIVE 10. Identifiers: Orphanet 140922, MedGen C1837342, MONDO:0012127, OMIM 608807.
Dilated cardiomyopathy 1G (CMD1G). Identifiers: Orphanet 154, MedGen C1858763, MONDO:0011400, OMIM 604145.
Cardiomyopathy (CMYO). Also called: Cardiomyopathies. Identifiers: Orphanet 167848, MedGen C0878544, MONDO:0004994, HP:0001638. Inheritance: Various modes of inheritance.
Early-onset myopathy with fatal cardiomyopathy (CMYO5). Also called: Salih Myopathy; CONGENITAL MYOPATHY 5 WITH CARDIOMYOPATHY. Identifiers: Orphanet 289377, MedGen C2673677, MONDO:0012714, OMIM 611705. Disease mechanism: loss of function.
Myopathy, myofibrillar, 9, with early respiratory failure (MFM9). Also called: Hereditary myopathy with early respiratory failure; EDSTROM MYOPATHY; MYOPATHY, PROXIMAL, WITH EARLY RESPIRATORY MUSCLE INVOLVEMENT; Myopathy, distal, with early respiratory failure, autosomal dominant. Identifiers: Orphanet 178464, Orphanet 34521, MedGen C1863599, MONDO:0011362, OMIM 603689.
Tibial muscular dystrophy (TMD). Also called: UDD MYOPATHY; Udd Distal Myopathy – Tibial Muscular Dystrophy; Tibial muscular dystrophy, tardive. Identifiers: Orphanet 609, MedGen C1838244, MONDO:0010870, OMIM 600334.

Allele frequency attached by ClinVar (database versions not stated): gnomAD exomes 0.00014 and 0.00035; ExAC 0.00042; gnomAD 0.00097 and 0.00099; 1000 Genomes Project 0.00120; TOPMed 0.00125; ESP Exome Variant Server 0.00154; 1000 Genomes Project 30x 0.00156.
gnomAD v4.1: 358 of 1,613,734 alleles (0.022%); highest among the groups gnomAD compares: African/African-American, 0.33%; 1 homozygote.

Submissions (19):

Molecular Diagnostic Laboratory for Inherited Cardiovascular Disease, Montreal Heart Institute
Classification: Likely benign. Last evaluated: 2026-03-27. Review status: criteria provided, single submitter. Criteria: ACMG Guidelines, 2015. Collection method: clinical testing. Allele origin: germline. Affected: no.

Labcorp Genetics (formerly Invitae), Labcorp
Classification: Likely benign for Dilated cardiomyopathy 1G; Autosomal recessive limb-girdle muscular dystrophy type 2J. Last evaluated: 2026-02-02. Review status: criteria provided, single submitter. Criteria: Invitae Variant Classification Sherloc (09022015). Collection method: clinical testing. Allele origin: germline.

Women's Health and Genetics/Laboratory Corporation of America, LabCorp
Classification: Likely benign. Last evaluated: 2025-03-10. Review status: criteria provided, single submitter. Criteria: LabCorp Variant Classification Summary - May 2015. Collection method: clinical testing. Allele origin: germline.
Comment: Variant summary: TTN c.89294G>A (p.Arg29765His) results in a non-conservative amino acid change located in the A-band domain of the encoded protein sequence. Four of five in-silico tools predict a damaging effect of the variant on protein function. The variant allele was found at a frequency of 0.00035 in 247604 control chromosomes, predominantly at a frequency of 0.004 within the African or African-American subpopulation in the gnomAD database, including 1 homozygotes. The observed variant frequency within African or African-American control individuals in the gnomAD database is approximately 10.24 fold of the estimated maximal expected allele frequency for a pathogenic variant in TTN causing Dilated Cardiomyopathy phenotype (0.00039). c.89294G>A has been reported in the literature in individuals affected with Dilated Cardiomyopathy, HCM and sudden unexplained death, without strong evidence for causality (Pugh_2014, Campuzano_2015, Burstein_2021). These report(s) do not provide unequivocal conclusions about association of the variant with Dilated Cardiomyopathy. To our knowledge, no experimental evidence demonstrating an impact on protein function has been reported. The following publications have been ascertained in the context of this evaluation (PMID: 24503780, 26516846, 32746448). ClinVar contains an entry for this variant (Variation ID: 47577). Based on the evidence outlined above, the variant was classified as likely benign.

Blueprint Genetics
Classification: Likely benign. Last evaluated: 2023-09-11. Review status: criteria provided, single submitter. Criteria: ACMG Guidelines, 2015. Collection method: clinical testing. Allele origin: germline.

Ambry Genetics
Classification: Likely benign for Cardiovascular phenotype. Last evaluated: 2023-05-25. Review status: criteria provided, single submitter. Criteria: Ambry Variant Classification Scheme 2023. Collection method: clinical testing. Allele origin: germline.

Genome-Nilou Lab
Classification: Benign for Autosomal recessive limb-girdle muscular dystrophy type 2J. Last evaluated: 2021-09-10. Review status: criteria provided, single submitter. Criteria: ACMG Guidelines, 2015. Collection method: clinical testing. Allele origin: germline. Affected: no.

Genome-Nilou Lab
Classification: Benign for Myopathy, myofibrillar, 9, with early respiratory failure. Last evaluated: 2021-09-10. Review status: criteria provided, single submitter. Criteria: ACMG Guidelines, 2015. Collection method: clinical testing. Allele origin: germline. Affected: no.

Genome-Nilou Lab
Classification: Benign for Early-onset myopathy with fatal cardiomyopathy. Last evaluated: 2021-09-10. Review status: criteria provided, single submitter. Criteria: ACMG Guidelines, 2015. Collection method: clinical testing. Allele origin: germline. Affected: no.

Genome-Nilou Lab
Classification: Benign for Tibial muscular dystrophy. Last evaluated: 2021-09-10. Review status: criteria provided, single submitter. Criteria: ACMG Guidelines, 2015. Collection method: clinical testing. Allele origin: germline. Affected: no.

CHEO Genetics Diagnostic Laboratory, Children's Hospital of Eastern Ontario
Classification: Benign for Cardiomyopathy. Last evaluated: 2020-12-22. Review status: criteria provided, single submitter. Criteria: ACMG Guidelines, 2015. Collection method: clinical testing. Allele origin: germline.

GeneDx
Classification: Likely benign. Last evaluated: 2020-06-05. Review status: criteria provided, single submitter. Criteria: GeneDx Variant Classification Process June 2021. Collection method: clinical testing. Allele origin: germline. Affected: yes.
Comment: This variant is associated with the following publications: (PMID: 24503780)

Eurofins Ntd Llc (ga)
Classification: Likely benign. Last evaluated: 2015-06-11. Review status: criteria provided, single submitter. Criteria: EGL Classification Definitions 2015. Collection method: clinical testing. Allele origin: germline. Observed: 1 variant allele, 1 heterozygote.

Laboratory for Molecular Medicine, Mass General Brigham Personalized Medicine
Classification: Likely benign. Last evaluated: 2012-04-18. Review status: criteria provided, single submitter. Criteria: LMM Criteria. Collection method: clinical testing. Allele origin: germline. Observed: 2 variant alleles.
Comment: Arg29765His in Exon 297 of TTN: This variant is not expected to have clinical si gnificance because it has been identified in 0.5% (17/3292) of African American chromosomes from a broad population by the NHLBI Exome Sequencing Project (dbSNP rs138846756). Arg29765His in Exon 297 of TTN (allele frequency = 0.5%, 17/3292; dbSNP rs138846756) **

PreventionGenetics, part of Exact Sciences
Classification: Likely benign for TTN-related condition. Last evaluated: 2021-02-03. Review status: no assertion criteria provided. Collection method: clinical testing. Allele origin: germline. Not counted in ClinVar's aggregate classification.
Comment: This variant is classified as likely benign based on ACMG/AMP sequence variant interpretation guidelines (Richards et al. 2015 PMID: 25741868, with internal and published modifications).

Clinical Genetics DNA and cytogenetics Diagnostics Lab, Erasmus MC, Erasmus Medical Center
Classification: Likely benign. Review status: no assertion criteria provided. Collection method: clinical testing. Allele origin: germline. Affected: yes. Study: VKGL Data-share Consensus. Not counted in ClinVar's aggregate classification.

Clinical Genetics, Academic Medical Center
Classification: Likely benign. Review status: no assertion criteria provided. Collection method: clinical testing. Allele origin: germline. Affected: yes. Study: VKGL Data-share Consensus. Not counted in ClinVar's aggregate classification.

Diagnostic Laboratory, Department of Genetics, University Medical Center Groningen
Classification: Likely benign. Review status: no assertion criteria provided. Collection method: clinical testing. Allele origin: germline. Affected: yes. Study: VKGL Data-share Consensus. Not counted in ClinVar's aggregate classification.

Genome Diagnostics Laboratory, University Medical Center Utrecht
Classification: Likely benign. Review status: no assertion criteria provided. Collection method: clinical testing. Allele origin: germline. Affected: yes. Study: VKGL Data-share Consensus. Not counted in ClinVar's aggregate classification.

Ambry Genetics
Classification: Likely benign for Cardiovascular phenotype. Last evaluated: 2018-07-05. Review status: flagged submission. Criteria: Ambry Autosomal Dominant and X-Linked criteria (3/2017). Collection method: clinical testing. Allele origin: germline. Observed: 1 variant allele. Not counted in ClinVar's aggregate classification.
Comment: Subpopulation frequency in support of benign classification
ClinVar note: Reason: This record appears to be redundant with a more recent record from the same submitter.
ClinVar note: Notes: SCV000319159 appears to be redundant with SCV003940067.

Literature cited by the submitters: PubMed 24503780 (cited by Women's Health and Genetics/Laboratory Corporation of America, LabCorp and Ambry Genetics); PubMed 26516846 (cited by Women's Health and Genetics/Laboratory Corporation of America, LabCorp); PubMed 32746448 (cited by Women's Health and Genetics/Laboratory Corporation of America, LabCorp).

NM_001267550.2(TTN):c.96998G>A (p.Arg32333His)

Genes: TTN (titin; minus strand), TTN-AS1 (TTN antisense RNA 1; plus strand). Cytogenetic location: 2q31.2.
Variant type: single nucleotide variant.
Coding change: c.96998G>A on transcript NM_001267550.2 (MANE Select); coding-DNA position 96998, G replaced by A.
Protein change: p.Arg32333His; replaces arginine 32333 with histidine.
Molecular consequence: missense variant.
Genome position (GRCh38, 1-based): chr2:178,542,856, C>T on the plus strand (G>A on the coding strand, the complement: TTN is on the minus strand). VCF-style: chr2-178542856-C-T. GRCh37 (hg19) VCF-style: chr2-179407583-C-T.
Other names: p.R30692H:CGT>CAT; c.92075G>A, p.Arg30692His (NM_001256850.1); c.89294G>A, p.Arg29765His (NM_133378.4); c.69803G>A, p.Arg23268His (NM_003319.4); c.70178G>A, p.Arg23393His (NM_133432.3); c.70379G>A, p.Arg23460His (NM_133437.4); short protein forms R32333H, R29765H, R30692H, R23268H, R23393H, R23460H.
Identifiers: ClinVar variation 47577 (VCV000047577.40), dbSNP rs138846756, ClinGen allele CA141396.